The following is an entry in ClinVar:

ClinVar aggregate classification (germline): Pathogenic. Review status: criteria provided, single submitter (1 of 4 stars). 2 submissions from 2 submitters: Pathogenic (1). 1 of the submissions does not count toward it. Last evaluated 2022-07-13.

Conditions:
X-linked cone-rod dystrophy. Identifiers: MedGen CN323387, MONDO:0021155.
Primary ciliary dyskinesia. Also called: Ciliary dyskinesia. Identifiers: Orphanet 244, MedGen C0008780, MONDO:0016575, HP:0012265.

Submissions (2):

Labcorp Genetics (formerly Invitae), Labcorp
Classification: Pathogenic for Primary ciliary dyskinesia. Last evaluated: 2022-07-13. Review status: criteria provided, single submitter. Criteria: Invitae Variant Classification Sherloc (09022015). Collection method: clinical testing. Allele origin: germline.
Comment: For these reasons, this variant has been classified as Pathogenic. Algorithms developed to predict the effect of sequence changes on RNA splicing suggest that this variant may disrupt the consensus splice site. This sequence change creates a premature translational stop signal (p.Gln184*) in the RPGR gene. It is expected to result in an absent or disrupted protein product. Loss-of-function variants in RPGR are known to be pathogenic (PMID: 16055928, 16969763). This variant is not present in population databases (gnomAD no frequency). This premature translational stop signal has been observed in individual(s) with rod cone dystrophy (PMID: 32856788).

Genetic Eye Disease Investigation Unit, University of Auckland
Classification: Pathogenic for X-LINKED ROD CONE DYSTROPHY. Last evaluated: 2023-01-03. Review status: no assertion criteria provided. Collection method: clinical testing. Allele origin: maternal. Affected: yes. Observed: 1 variant allele. Not counted in ClinVar's aggregate classification.

Literature cited by the submitters: PubMed 16055928 (cited by Labcorp Genetics (formerly Invitae), Labcorp); PubMed 16969763 (cited by Labcorp Genetics (formerly Invitae), Labcorp); PubMed 32856788 (cited by Labcorp Genetics (formerly Invitae), Labcorp).

NM_001034853.2(RPGR):c.550C>T (p.Gln184Ter)

Gene: RPGR (retinitis pigmentosa GTPase regulator; minus strand). Cytogenetic location: Xp11.4.
Variant type: single nucleotide variant.
Coding change: c.550C>T on transcript NM_001034853.2 (MANE Select); coding-DNA position 550, C replaced by T.
Protein change: p.Gln184Ter; replaces glutamine 184 with a stop codon.
Molecular consequence: nonsense. On other transcripts: non-coding transcript variant (5).
Genome position (GRCh38, 1-based): chrX:38,317,385, G>A on the plus strand (C>T on the coding strand, the complement: RPGR is on the minus strand). VCF-style: chrX-38317385-G-A. GRCh37 (hg19) VCF-style: chrX-38176638-G-A.
Other names: c.550C>T, p.Gln184Ter (NM_000328.3, NM_001367245.1, NM_001367246.1 and 3 more transcripts); c.580C>T, p.Gln194Ter (NM_001367248.1); c.547C>T, p.Gln183Ter (NM_001367249.1); short protein forms Q184*, Q183*, Q194*.
Identifiers: ClinVar variation 2099210 (VCV002099210.5), dbSNP rs2519888989, ClinGen allele CA412744677.